The following is an entry in ClinVar:

ClinVar aggregate classification (germline): Uncertain significance (1 of 4 stars; one submission).

gnomAD v4.1: 1 of 1,611,114 alleles (0.000062%); highest among the groups gnomAD compares: Admixed American, 0.0017%; no homozygotes.

Submission:

Labcorp Genetics (formerly Invitae), Labcorp
Classification: Uncertain significance. Last evaluated: 2025-03-30. Review status: criteria provided, single submitter. Criteria: Invitae Variant Classification Sherloc (09022015). Collection method: clinical testing. Allele origin: germline.
Comment: This sequence change replaces aspartic acid, which is acidic and polar, with glycine, which is neutral and non-polar, at codon 482 of the POLE2 protein (p.Asp482Gly). This variant is not present in population databases (gnomAD no frequency). This variant has not been reported in the literature in individuals affected with POLE2-related conditions. An algorithm developed to predict the effect of missense changes on protein structure and function (PolyPhen-2) suggests that this variant is likely to be disruptive. In summary, the available evidence is currently insufficient to determine the role of this variant in disease. Therefore, it has been classified as a Variant of Uncertain Significance.

NM_002692.4(POLE2):c.1445A>G (p.Asp482Gly)

Gene: POLE2 (DNA polymerase epsilon 2, accessory subunit; minus strand). Cytogenetic location: 14q21.3.
Variant type: single nucleotide variant.
Coding change: c.1445A>G on transcript NM_002692.4 (MANE Select); coding-DNA position 1445, A replaced by G.
Protein change: p.Asp482Gly; replaces aspartic acid 482 with glycine.
Molecular consequence: missense variant.
Genome position (GRCh38, 1-based): chr14:49,650,317, T>C on the plus strand (A>G on the coding strand, the complement: POLE2 is on the minus strand). VCF-style: chr14-49650317-T-C. GRCh37 (hg19) VCF-style: chr14-50117035-T-C.
Other names: c.1367A>G, p.Asp456Gly (NM_001197330.2); c.1445A>G, p.Asp482Gly (NM_001197331.3); c.1442A>G, p.Asp481Gly (NM_001348384.2); c.1214A>G, p.Asp405Gly (NM_001348385.2); short protein forms D456G, D481G, D405G, D482G.
Identifiers: ClinVar variation 4715761 (VCV004715761.1).